The following is an entry in ClinVar:

NM_000236.3(LIPC):c.1064A>G (p.Gln355Arg)

Gene: LIPC (lipase C, hepatic type; plus strand). Cytogenetic location: 15q21.3.
Variant type: single nucleotide variant.
Coding change: c.1064A>G on transcript NM_000236.3 (MANE Select); coding-DNA position 1064, A replaced by G.
Protein change: p.Gln355Arg; replaces glutamine 355 with arginine.
Molecular consequence: missense variant.
Genome position (GRCh38, 1-based): chr15:58,560,876, A>G. VCF-style: chr15-58560876-A-G. GRCh37 (hg19) VCF-style: chr15-58853075-A-G.
Other names: short protein forms Q355R.
Identifiers: ClinVar variation 316672 (VCV000316672.21), dbSNP rs140272400, ClinGen allele CA7585109.

ClinVar aggregate classification (germline): Benign/Likely benign. Review status: criteria provided, multiple submitters, no conflicts (2 of 4 stars). 7 submissions from 7 submitters: Benign (3); Likely benign (3). 1 of the submissions does not count toward it. Last evaluated 2026-08-01.

Conditions:
LIPC-related disorder. Also called: LIPC-related condition.
High density lipoprotein cholesterol level quantitative trait locus 12 (HDLCQ12). Identifiers: MedGen C2675071, OMIM 612797.
Hyperlipidemia due to hepatic triglyceride lipase deficiency. Also called: LIPC DEFICIENCY. Identifiers: Orphanet 140905, MedGen C3151466, MONDO:0013533, OMIM 614025.
Type 2 diabetes mellitus. Also called: Type II diabetes mellitus. Identifiers: MedGen C0011860, MeSH D003924, MONDO:0005148, OMIM 125853, HP:0005978.

Allele frequency attached by ClinVar (database versions not stated): ESP Exome Variant Server 0.00023; gnomAD 0.00112 and 0.00115; gnomAD exomes 0.00135 and 0.00421; 1000 Genomes Project 30x 0.00234; 1000 Genomes Project 0.00240; TOPMed 0.00284; ExAC 0.00353.
gnomAD v4.1: 1,425 of 1,108,494 alleles (0.13%); highest among the groups gnomAD compares: Admixed American, 2.3%; 27 homozygotes.

Submissions (7):

CeGaT Center for Human Genetics Tuebingen
Classification: Benign. Last evaluated: 2026-08-01. Review status: criteria provided, single submitter. Criteria: CeGaT Center For Human Genetics Tuebingen Variant Classification Criteria Version 2. Collection method: clinical testing. Allele origin: germline. Affected: yes. Observed: 1 variant allele.
Comment: LIPC: BP4, BS1, BS2

Labcorp Genetics (formerly Invitae), Labcorp
Classification: Benign. Last evaluated: 2026-01-08. Review status: criteria provided, single submitter. Criteria: Invitae Variant Classification Sherloc (09022015). Collection method: clinical testing. Allele origin: germline.

Fulgent Genetics
Classification: Likely benign for Type 2 diabetes mellitus; High density lipoprotein cholesterol level quantitative trait locus 12; Hyperlipidemia due to hepatic triglyceride lipase deficiency. Last evaluated: 2021-12-15. Review status: criteria provided, single submitter. Criteria: ACMG Guidelines, 2015. Collection method: clinical testing. Allele origin: unknown.

GeneDx
Classification: Likely benign. Last evaluated: 2020-02-29. Review status: criteria provided, single submitter. Criteria: GeneDx Variant Classification Process June 2021. Collection method: clinical testing. Allele origin: germline. Affected: yes.

Illumina Laboratory Services, Illumina
Classification: Benign for Hyperlipidemia due to hepatic triglyceride lipase deficiency. Last evaluated: 2018-01-13. Review status: criteria provided, single submitter. Criteria: ICSL Variant Classification Criteria 13 December 2019. Collection method: clinical testing. Allele origin: germline.
Comment: This variant was observed in the ICSL laboratory as part of a predisposition screen in an ostensibly healthy population. It had not been previously curated by ICSL or reported in the Human Gene Mutation Database (HGMD: prior to June 1st, 2018), and was therefore a candidate for classification through an automated scoring system. Utilizing variant allele frequency, disease prevalence and penetrance estimates, and inheritance mode, an automated score was calculated to assess if this variant is too frequent to cause the disease. Based on the score and internal cut-off values, a variant classified as benign is not then subjected to further curation. The score for this variant resulted in a classification of benign for this disease.

Breakthrough Genomics
Classification: Likely benign. Review status: criteria provided, single submitter. Criteria: ACMG Guidelines, 2015. Collection method: not provided. Allele origin: germline. Inheritance: Autosomal recessive inheritance. Affected: yes.

PreventionGenetics, part of Exact Sciences
Classification: Benign for LIPC-related condition. Last evaluated: 2019-03-13. Review status: no assertion criteria provided. Collection method: clinical testing. Allele origin: germline. Not counted in ClinVar's aggregate classification.
Comment: This variant is classified as benign based on ACMG/AMP sequence variant interpretation guidelines (Richards et al. 2015 PMID: 25741868, with internal and published modifications).